The following is an entry in ClinVar:

ClinVar aggregate classification (germline): Pathogenic/Likely pathogenic. Review status: criteria provided, multiple submitters, no conflicts (2 of 4 stars). 10 submissions from 10 submitters: Pathogenic (4); Likely pathogenic (4). 2 of the submissions do not count toward it. Last evaluated 2025-04-13.

Conditions:
Breast-ovarian cancer, familial, susceptibility to, 1 (BROVCA1). Also called: BRCA1 Hereditary Breast and Ovarian Cancer; OVARIAN CANCER, SUSCEPTIBILITY TO. Identifiers: Orphanet 145, MedGen C2676676, MONDO:0011450, OMIM 604370. Disease mechanism: loss of function.
Hereditary breast ovarian cancer syndrome. Also called: Hereditary breast and ovarian cancer; Hereditary breast and ovarian cancer syndrome; Hereditary breast and ovarian cancer syndrome (HBOC); Breast and ovarian cancer; BRCA1- and BRCA2-Associated Hereditary Breast and Ovarian Cancer; Hereditary breast and/or ovarian cancer syndrome. Identifiers: Orphanet 145, MedGen C0677776, MeSH D061325, MONDO:0003582. Disease mechanism: loss of function.
BRCA1-related cancer predisposition. Identifiers: MedGen CN377757, MONDO:0700268.
Hereditary cancer-predisposing syndrome. Also called: Tumor predisposition; Neoplastic Syndromes, Hereditary; Hereditary Cancer Syndrome; Hereditary neoplastic syndrome. Identifiers: Orphanet 140162, MedGen C0027672, MeSH D009386, MONDO:0015356.

Submissions 1 to 7 of 11:

Labcorp Genetics (formerly Invitae), Labcorp
Classification: Pathogenic for Hereditary breast ovarian cancer syndrome. Last evaluated: 2025-04-13. Review status: criteria provided, single submitter. Criteria: Invitae Variant Classification Sherloc (09022015). Collection method: clinical testing. Allele origin: germline.
Comment: This sequence change replaces histidine, which is basic and polar, with tyrosine, which is neutral and polar, at codon 41 of the BRCA1 protein (p.His41Tyr). This variant is not present in population databases (gnomAD no frequency). This missense change has been observed in individual(s) with breast cancer (PMID: 28486781). ClinVar contains an entry for this variant (Variation ID: 580736). Invitae Evidence Modeling incorporating data from in vitro experimental studies (PMID: 30209399) indicates that this missense variant is expected to disrupt BRCA1 function with a positive predictive value of 95%. Experimental studies have shown that this missense change affects BRCA1 function (PMID: 25823446, 30209399). This variant disrupts the p.His41 amino acid residue in BRCA1. Other variant(s) that disrupt this residue have been determined to be pathogenic (PMID: 15168169, 16403807, 20103620, 21725363, 23161852, 24489791, 30209399). This suggests that this residue is clinically significant, and that variants that disrupt this residue are likely to be disease-causing. For these reasons, this variant has been classified as Pathogenic.

All of Us Research Program, National Institutes of Health
Classification: Likely pathogenic for BRCA1-related cancer predisposition. Last evaluated: 2024-07-29. Review status: criteria provided, single submitter. Criteria: ACMG Guidelines, 2015. Collection method: clinical testing. Allele origin: germline. Inheritance: Autosomal dominant inheritance. Observed: 1 variant allele, 1 heterozygote.
Comment: This missense variant replaces histidine with tyrosine at codon 41 of the BRCA1 protein. Computational prediction suggests that this variant may have deleterious impact on protein structure and function. Functional studies have shown the variant to cause loss of protein function in a haploid cell proliferation assay (PMID: 30209399), reduced E3 ligase activity (PMID: 25823446) and disrupted binding to E2 ubiquitin conjugating enzyme (PMID: 16403807). This variant has been reported in at least three individuals affected with breast cancer that are described as high-risk or have a family history of breast and ovarian cancer (PMID: 28486781, 32733560, 33067490). Other missense variants at this codon have been reported as (likely) disease-causing in ClinVar (variation ID: 54166, 868161, 230862, 409353), suggesting that the conserved histidine is functionally important. This variant has not been identified in the general population by the Genome Aggregation Database (gnomAD). Based on the available evidence, this variant is classified as Likely Pathogenic.

This study involves interpretation of variants in research participants for the purpose of population health screening. Participant phenotype was not available at the time of variant classification. Additional details can be found in publication PMID: 35346344, PMCID: PMC8962531

Color Diagnostics, LLC DBA Color Health
Classification: Likely pathogenic for Hereditary cancer-predisposing syndrome. Last evaluated: 2024-05-08. Review status: criteria provided, single submitter. Criteria: ACMG Guidelines, 2015. Collection method: clinical testing. Allele origin: germline.
Comment: This missense variant replaces histidine with tyrosine at codon 41 of the BRCA1 protein. Computational prediction suggests that this variant may have deleterious impact on protein structure and function. Functional studies have shown the variant to cause loss of protein function in a haploid cell proliferation assay (PMID: 30209399), reduced E3 ligase activity (PMID: 25823446) and disrupted binding to E2 ubiquitin conjugating enzyme (PMID: 16403807). This variant has been reported in at least three individuals affected with breast cancer that are described as high-risk or have a family history of breast and ovarian cancer (PMID: 28486781, 32733560, 33067490). Other missense variants at this codon have been reported as (likely) disease-causing in ClinVar (variation ID: 54166, 868161, 230862, 409353), suggesting that the conserved histidine is functionally important. This variant has not been identified in the general population by the Genome Aggregation Database (gnomAD). Based on the available evidence, this variant is classified as Likely Pathogenic.

GeneDx
Classification: Pathogenic. Last evaluated: 2023-12-01. Review status: criteria provided, single submitter. Criteria: GeneDx Variant Classification Process June 2021. Collection method: clinical testing. Allele origin: germline. Affected: yes.
Comment: Published functional studies demonstrate a damaging effect: impaired BARD1 binding and E3 auto-ubiquitination, and classified as non-functional based on a saturation genome editing (SGE) assay measuring cell survival (PMID: 25823446, 30209399, 33087888); Observed in individuals with breast cancer (PMID: 32733560, 33067490, 28486781, 34597585, 37901051, 34290354); This variant was classified as pathogenic based on a multifactorial model incorporating family history, pathology, and co-segregation (PMID: 34597585); In silico analysis supports that this missense variant has a deleterious effect on protein structure/function; Not observed at significant frequency in large population cohorts (gnomAD); Also known as c.240C>T; This variant is associated with the following publications: (PMID: 30209399, 32733560, 33067490, 33087888, 31131967, 25823446, 20104584, 24389207, 8944023, 34290354, 28486781, 34597585, 37901051)

Ambry Genetics
Classification: Pathogenic for Hereditary cancer-predisposing syndrome. Last evaluated: 2023-07-03. Review status: criteria provided, single submitter. Criteria: Ambry Variant Classification Scheme 2023. Collection method: clinical testing. Allele origin: germline.
Comment: The p.H41Y pathogenic mutation (also known as c.121C>T), located in coding exon 2 of the BRCA1 gene, results from a C to T substitution at nucleotide position 121. The histidine at codon 41 is replaced by tyrosine, an amino acid with similar properties. This alteration has been identified in multiple individuals diagnosed with breast cancer (Lolas Hamameh S et al. Int. J. Cancer, 2017 Aug;141:750-756; Abdel-Razeq H et al. J Oncol, 2020 Jul;2020:8362179). This alteration was shown to have severely defective E3 ubiquitin ligase activity, however it maintained intact BARD1 binding capability (Starita LM et al. Genetics, 2015 Jun;200:413-22). One functional study found that this nucleotide substitution is non-functional in a high-throughput, genome editing, haploid cell survival assay (Findlay GM et al. Nature, 2018 Oct;562:217-222). This variant affects a known zinc binding motif which is predicted to disrupt protein folding (Ambry internal data; Brzovic PS et al. Nat. Struct. Biol., 2001 Oct;8:833-7; Brzovic PS et al. Proc. Natl. Acad. Sci. U.S.A., 2003 May;100:5646-51). Two other alterations at the same codon, p.H41R (c.122A>G) and p.H41N (c.121C>A), have been shown to be functionally deleterious in multiple functional assays (Morris JR et al. Hum. Mol. Genet. 2006 Feb; 15(4):599-606; Ransburgh DJ et al. Cancer Res. 2010 Feb; 70(3):988-95; Towler WI et al. Hum. Mutat. 2013 Mar; 34(3):439-45; Caleca L et al. Cancers (Basel), 2019 Jan;11; Starita LM et al. Genetics, 2015 Jun;200:413-22; Starita LM et al. Am. J. Hum. Genet., 2018 Oct;103:498-508; Findlay GM et al. Nature, 2018 10;562:217-222). This amino acid position is highly conserved in available vertebrate species. In addition, this alteration is predicted to be deleterious by in silico analysis. This variant is considered to be rare based on population cohorts in the Genome Aggregation Database (gnomAD). Based on the supporting evidence, this alteration is interpreted as a disease-causing mutation.

Clinical Genetics Laboratory, Skane University Hospital Lund
Classification: Likely pathogenic. Last evaluated: 2023-05-29. Review status: criteria provided, single submitter. Criteria: ACMG Guidelines, 2015. Collection method: clinical testing. Allele origin: germline. Affected: yes.

Baylor Genetics
Classification: Likely pathogenic for Breast-ovarian cancer, familial, susceptibility to, 1. Last evaluated: 2021-08-30. Review status: criteria provided, single submitter. Criteria: ACMG Guidelines, 2015. Collection method: clinical testing. Allele origin: unknown.

NM_007294.4(BRCA1):c.121C>T (p.His41Tyr)

Gene: BRCA1 (BRCA1 DNA repair associated; minus strand). Cytogenetic location: 17q21.31.
Variant type: single nucleotide variant.
Coding change: c.121C>T on transcript NM_007294.4 (MANE Select); coding-DNA position 121, C replaced by T.
Protein change: p.His41Tyr; replaces histidine 41 with tyrosine.
Molecular consequence: missense variant. On other transcripts: non-coding transcript variant (1), intron variant (1).
Genome position (GRCh38, 1-based): chr17:43,115,739, G>A on the plus strand (C>T on the coding strand, the complement: BRCA1 is on the minus strand). VCF-style: chr17-43115739-G-A. GRCh37 (hg19) VCF-style: chr17-41267756-G-A.
Other names: c.121C>T, p.His41Tyr (NM_001407668.1, NM_001407669.1, NM_001407670.1 and 192 more transcripts); c.-137C>T (NM_001407694.1, NM_001407696.1, NM_001407724.1 and 13 more transcripts); c.-141C>T (NM_001407695.1, NM_001408465.1); c.-21C>T (NM_001407697.1, NM_001407725.1, NM_001407728.1 and 47 more transcripts); c.-17C>T (NM_001407841.1); c.-68C>T (NM_001407853.1, NM_001407879.1, NM_001407882.1 and 52 more transcripts); c.-184C>T (NM_001407889.1, NM_001407900.1, NM_001408492.1); c.-183C>T (NM_001407960.1, NM_001407962.1, NM_001408510.1 and 1 more transcripts); and 3 more; short protein forms H41Y.
Identifiers: ClinVar variation 580736 (VCV000580736.28), dbSNP rs1060502353, ClinGen allele CA10601915.
Genomic context (GRCh38, chr17:43,115,739, plus strand): 5'-CAAAAACAAAAGCTAATAATGGAGCCACATAACACATTCAAACTTACTTGCAAAATATGT[G>A]GTCACACTTTGTGGAGACAGGTTCCTTGATCAACTCCAGACTAGCAGGGTAGGGGGGGAG-3'
Protein context (NP_009225.1, residues 31-51): IKEPVSTKCD[His41Tyr]IFCKFCMLKL